The following is an entry in ClinVar:

ClinVar aggregate classification (germline): Uncertain significance (1 of 4 stars; one submission).

Conditions:
Aortic valve disease 2 (AOVD2). Identifiers: MedGen C3542024, MONDO:0013902, OMIM 614823.

Submission:

Labcorp Genetics (formerly Invitae), Labcorp
Classification: Uncertain significance for Aortic valve disease 2. Last evaluated: 2023-06-14. Review status: criteria provided, single submitter. Criteria: Invitae Variant Classification Sherloc (09022015). Collection method: clinical testing. Allele origin: germline.
Comment: In summary, the available evidence is currently insufficient to determine the role of this variant in disease. Therefore, it has been classified as a Variant of Uncertain Significance. This premature translational stop signal has been observed in individual(s) with craniosynostosis (PMID: 27606499). This variant is not present in population databases (gnomAD no frequency). This sequence change creates a premature translational stop signal (p.Ser130Glyfs*172) in the SMAD6 gene. It is expected to result in an absent or disrupted protein product. However, the current clinical and genetic evidence is not sufficient to establish whether loss-of-function variants in SMAD6 cause disease.

Literature cited by the submitters: PubMed 27606499.

NM_005585.5(SMAD6):c.384_385del (p.Ser130fs)

Gene: SMAD6 (SMAD family member 6; plus strand). Cytogenetic location: 15q22.31.
Variant type: Microsatellite.
Coding change: c.384_385del on transcript NM_005585.5 (MANE Select); coding-DNA positions 384 to 385, 2 bases deleted (CT; older notation c.384_385delCT).
Protein change: p.Ser130fs; shifts the reading frame from serine 130.
Molecular consequence: frameshift variant. On other transcripts: non-coding transcript variant (1).
Genome position (GRCh38, 1-based): chr15:66,703,642-66,703,643, CT deleted; deleting any 2 consecutive bases within chr15:66,703,639-66,703,643 gives the same sequence; the c. name uses the placement nearest the transcript's 3' end. VCF-style (leftmost placement, unchanged base first): chr15-66703638-GTC-G. GRCh37 (hg19) VCF-style: chr15-66995976-GTC-G.
Other names: short protein forms S130fs.
Identifiers: ClinVar variation 2736226 (VCV002736226.3), dbSNP rs2545311527, ClinGen allele CA2575767422.